The following is an entry in ClinVar:

ClinVar aggregate classification (germline): Benign/Likely benign. Review status: criteria provided, multiple submitters, no conflicts (2 of 4 stars). 8 submissions from 8 submitters: Benign (5); Likely benign (2). 1 of the submissions does not count toward it. Last evaluated 2026-02-04.

Conditions:
Hereditary acrodermatitis enteropathica (AEZ). Also called: Acrodermatitis enteropathica. Identifiers: Orphanet 37, MedGen C0221036, MONDO:0008713, OMIM 201100.

Allele frequency attached by ClinVar (database versions not stated): 1000 Genomes Project 30x 0.01296; 1000 Genomes Project 0.01298; TOPMed 0.02356; ESP Exome Variant Server 0.02540; gnomAD 0.02729 and 0.02765; gnomAD exomes 0.02894 and 0.03410; ExAC 0.03797.
gnomAD v4.1: 53,038 of 1,579,106 alleles (3.4%); highest among the groups gnomAD compares: Middle Eastern, 6.1%; 1,055 homozygotes.

Submissions (8):

Labcorp Genetics (formerly Invitae), Labcorp
Classification: Benign. Last evaluated: 2026-02-04. Review status: criteria provided, single submitter. Criteria: Invitae Variant Classification Sherloc (09022015). Collection method: clinical testing. Allele origin: germline.

Mayo Clinic Laboratories, Mayo Clinic
Classification: Benign. Last evaluated: 2023-09-18. Review status: criteria provided, single submitter. Criteria: ACMG Guidelines, 2015. Collection method: clinical testing. Allele origin: germline. Observed: 8 variant alleles.
Comment: BA1, BS2, BP4

Genome-Nilou Lab
Classification: Benign for Hereditary acrodermatitis enteropathica. Last evaluated: 2021-07-10. Review status: criteria provided, single submitter. Criteria: ACMG Guidelines, 2015. Collection method: clinical testing. Allele origin: germline. Affected: no.

GeneDx
Classification: Benign. Last evaluated: 2020-11-06. Review status: criteria provided, single submitter. Criteria: GeneDx Variant Classification Process June 2021. Collection method: clinical testing. Allele origin: germline. Affected: yes.
Comment: This variant is associated with the following publications: (PMID: 28188634, 27884173, 12032886, 20981092, 22995991)

SIB Swiss Institute of Bioinformatics
Classification: Benign for Hereditary acrodermatitis enteropathica. Last evaluated: 2018-05-31. Review status: criteria provided, single submitter. Criteria: ACMG Guidelines, 2015. Collection method: curation. Allele origin: unknown.
Comment: This variant is interpreted as a Benign - Stand Alone, for Acrodermatitis enteropathica, zinc-deficiency type, in Autosomal Recessive manner. The following ACMG Tag(s) were applied: BA1 =>Allele frequency is >5% in Exome Sequencing Project, 1000 Genomes Project, or Exome Aggregation Consortium. BS1 => Allele frequency is greater than expected for disorder. BS2 => Observed in a healthy adult individual for a recessive (homozygous), dominant (heterozygous), or X-linked (hemizygous) disorder, with full penetrance expected at an early age.

Laboratory for Molecular Medicine, Mass General Brigham Personalized Medicine
Classification: Likely benign. Last evaluated: 2016-03-29. Review status: criteria provided, single submitter. Criteria: LMM Criteria. Collection method: clinical testing. Allele origin: germline.
Comment: Variant identified in a genome or exome case(s) and assessed due to predicted null impact of the variant or pathogenic assertions in the literature or databases. Disclaimer: This variant has not undergone full assessment. The following are preliminary notes: Frequency in 1000Genomes: 44/2178=2%

Breakthrough Genomics
Classification: Likely benign. Review status: criteria provided, single submitter. Criteria: ACMG Guidelines, 2015. Collection method: not provided. Allele origin: germline. Inheritance: Autosomal recessive inheritance. Affected: yes.

Natera, Inc.
Classification: Benign for Acrodermatitis enteropathica. Last evaluated: 2019-10-25. Review status: no assertion criteria provided. Collection method: clinical testing. Allele origin: germline. Not counted in ClinVar's aggregate classification.

Literature cited by the submitters: PubMed 12032886 (cited by Mayo Clinic Laboratories, Mayo Clinic); PubMed 28188634 (cited by Mayo Clinic Laboratories, Mayo Clinic).

NM_130849.4(SLC39A4):c.251C>T (p.Pro84Leu)

Gene: SLC39A4 (solute carrier family 39 member 4; minus strand). Cytogenetic location: 8q24.3.
Variant type: single nucleotide variant.
Coding change: c.251C>T on transcript NM_130849.4 (MANE Select); coding-DNA position 251, C replaced by T.
Protein change: p.Pro84Leu; replaces proline 84 with leucine.
Molecular consequence: missense variant. On other transcripts: intron variant (1).
Genome position (GRCh38, 1-based): chr8:144,416,033, G>A on the plus strand (C>T on the coding strand, the complement: SLC39A4 is on the minus strand). VCF-style: chr8-144416033-G-A. GRCh37 (hg19) VCF-style: chr8-145641417-G-A.
Other names: NM_017767.2(SLC39A4):c.176C>T(p.Pro59Leu); NM_130849.3(SLC39A4):c.251C>T(p.Pro84Leu); p.Pro84Leu; c.176C>T, p.Pro59Leu (NM_017767.3); c.192+565C>T (NM_001374839.1); short protein forms P84L, P59L.
Identifiers: ClinVar variation 362263 (VCV000362263.25), dbSNP rs117535951, ClinGen allele CA4941764.
Genomic context (GRCh38, chr8:144,416,033, plus strand): 5'-AGGTACAGGACGGCGGCGGCACTGAGGCGGGCGACGTACCTGGCCTCCAGGACCGGGCCC[G>A]GGGGCAGCCCTGACCCCTCAGGCTCGCCCAGGCCCAGGGCGTCCTCCACAGACAGGCACT-3'
Protein context (NP_570901.3, residues 74-94): LGEPEGSGLP[Pro84Leu]GPVLEARYVA